The following is an entry in ClinVar:

NM_018389.5(SLC35C1):c.778C>T (p.Gln260Ter)

Gene: SLC35C1 (solute carrier family 35 member C1; plus strand). Cytogenetic location: 11p11.2.
Variant type: single nucleotide variant.
Coding change: c.778C>T on transcript NM_018389.5 (MANE Select); coding-DNA position 778, C replaced by T.
Protein change: p.Gln260Ter; replaces glutamine 260 with a stop codon.
Molecular consequence: nonsense.
Genome position (GRCh38, 1-based): chr11:45,811,018, C>T. VCF-style: chr11-45811018-C-T. GRCh37 (hg19) VCF-style: chr11-45832569-C-T.
Other names: c.739C>T, p.Gln247Ter (NM_001145265.2, NM_001145266.2); short protein forms Q260*, Q247*.
Identifiers: ClinVar variation 1514864 (VCV001514864.7), dbSNP rs1470970903, ClinGen allele CA380206063.

ClinVar aggregate classification (germline): Pathogenic (1 of 4 stars; one submission).

Conditions:
Leukocyte adhesion deficiency type II. Also called: CDG IIc; CONGENITAL DISORDER OF GLYCOSYLATION, TYPE IIc; Congenital disorder of glycosylation type 2C; CDG 2C; Leukocyte adhesion deficiency type 2; Rambam Hasharon syndrome. Identifiers: Orphanet 2968, Orphanet 99843, MedGen C0398739, MONDO:0009953, OMIM 266265.

Allele frequency attached by ClinVar (database versions not stated): gnomAD exomes below 0.00001.

Submission:

Labcorp Genetics (formerly Invitae), Labcorp
Classification: Pathogenic for Leukocyte adhesion deficiency type II. Last evaluated: 2023-07-14. Review status: criteria provided, single submitter. Criteria: Invitae Variant Classification Sherloc (09022015). Collection method: clinical testing. Allele origin: germline.
Comment: For these reasons, this variant has been classified as Pathogenic. This variant disrupts a region of the SLC35C1 protein in which other variant(s) (Thr308Arg) have been determined to be pathogenic (PMID: 11326280, 12116250). This suggests that this is a clinically significant region of the protein, and that variants that disrupt it are likely to be disease-causing. ClinVar contains an entry for this variant (Variation ID: 1514864). This variant has not been reported in the literature in individuals affected with SLC35C1-related conditions. This variant is present in population databases (no rsID available, gnomAD 0.0009%). This sequence change creates a premature translational stop signal (p.Gln260*) in the SLC35C1 gene. While this is not anticipated to result in nonsense mediated decay, it is expected to disrupt the last 105 amino acid(s) of the SLC35C1 protein.

Literature cited by the submitters: PubMed 11326280; PubMed 12116250.